The following is an entry in ClinVar:

NM_000548.5(TSC2):c.2900A>T (p.Lys967Met)

Gene: TSC2 (TSC complex subunit 2; plus strand). Cytogenetic location: 16p13.3.
Variant type: single nucleotide variant.
Coding change: c.2900A>T on transcript NM_000548.5 (MANE Select); coding-DNA position 2900, A replaced by T.
Protein change: p.Lys967Met; replaces lysine 967 with methionine.
Molecular consequence: missense variant. On other transcripts: intron variant (9).
Genome position (GRCh38, 1-based): chr16:2,077,660, A>T. VCF-style: chr16-2077660-A-T. GRCh37 (hg19) VCF-style: chr16-2127661-A-T.
Other names: c.2900A>T, p.Lys967Met (NM_001114382.3); c.2837+1075A>T (NM_021055.3, NM_001370405.1, NM_001363528.2 and 2 more transcripts); c.2726+1075A>T (NM_001318827.2); c.2237+1075A>T (NM_001318831.2); c.2690+1075A>T (NM_001318829.2); c.2870+1075A>T (NM_001318832.2); short protein forms K967M.
Identifiers: ClinVar variation 835353 (VCV000835353.10), dbSNP rs2089588117, ClinGen allele CA394281170.

ClinVar aggregate classification (germline): Uncertain significance. Review status: criteria provided, multiple submitters, no conflicts (2 of 4 stars). 2 submissions from 2 submitters: Uncertain significance (2). Last evaluated 2026-01-04.

Conditions:
Tuberous sclerosis 2 (TSC2). Identifiers: Orphanet 805, MedGen C1860707, MONDO:0013199, OMIM 613254.
Hereditary cancer-predisposing syndrome. Also called: Hereditary Cancer Syndrome; Tumor predisposition; Neoplastic Syndromes, Hereditary; Hereditary neoplastic syndrome. Identifiers: Orphanet 140162, MedGen C0027672, MeSH D009386, MONDO:0015356.

Submissions (2):

Ambry Genetics
Classification: Uncertain significance for Hereditary cancer-predisposing syndrome. Last evaluated: 2026-01-04. Review status: criteria provided, single submitter. Criteria: Ambry Variant Classification Scheme 2023. Collection method: clinical testing. Allele origin: germline.
Comment: The p.K967M variant (also known as c.2900A>T), located in coding exon 25 of the TSC2 gene, results from an A to T substitution at nucleotide position 2900. The lysine at codon 967 is replaced by methionine, an amino acid with similar properties. This amino acid position is conserved. In addition, the in silico prediction for this alteration is inconclusive. Based on the available evidence, the clinical significance of this variant remains unclear.

Labcorp Genetics (formerly Invitae), Labcorp
Classification: Uncertain significance for Tuberous sclerosis 2. Last evaluated: 2025-05-05. Review status: criteria provided, single submitter. Criteria: Invitae Variant Classification Sherloc (09022015). Collection method: clinical testing. Allele origin: germline.
Comment: This sequence change replaces lysine, which is basic and polar, with methionine, which is neutral and non-polar, at codon 967 of the TSC2 protein (p.Lys967Met). This variant is not present in population databases (gnomAD no frequency). This variant has not been reported in the literature in individuals affected with TSC2-related conditions. ClinVar contains an entry for this variant (Variation ID: 835353). Invitae Evidence Modeling of protein sequence and biophysical properties (such as structural, functional, and spatial information, amino acid conservation, physicochemical variation, residue mobility, and thermodynamic stability) indicates that this missense variant is not expected to disrupt TSC2 protein function with a negative predictive value of 95%. In summary, the available evidence is currently insufficient to determine the role of this variant in disease. Therefore, it has been classified as a Variant of Uncertain Significance.